The following is an entry in ClinVar:

NM_000280.4(PAX6):c.*1478C>T

Genes: ELP4 (elongator acetyltransferase complex subunit 4; plus strand), PAX6 (paired box 6; minus strand). Cytogenetic location: 11p13.
Variant type: single nucleotide variant.
Coding change: c.*1478C>T on transcript NM_000280.4; 1478 bases downstream of the stop codon, C replaced by T.
Molecular consequence: 3 prime UTR variant (on NM_019040.5).
Genome position (GRCh38, 1-based): chr11:31,788,456, G>A on the plus strand (C>T on the coding strand, the complement: PAX6 is on the minus strand). VCF-style: chr11-31788456-G-A. GRCh37 (hg19) VCF-style: chr11-31810004-G-A.
Other names: c.*5027G>A (NM_001288726.2); c.*4932G>A (NM_019040.5); c.*4918G>A (NM_001288725.2).
Identifiers: ClinVar variation 304338 (VCV000304338.8), dbSNP rs181818313, ClinGen allele CA10634596.
Genomic context (GRCh38, chr11:31,788,456, plus strand): 5'-TTCAAATGGGAACAGCTGTAGTGGTTCAATGGGAAATGATGCCTCTTGTGCAAAGGGGAG[G>A]GAGACAGAAAAGGGAGAGGGCCTATTTGAAAAAGGCAACAGCTTTCAGAAAGTCTCCTTT-3'

ClinVar aggregate classification (germline): Benign/Likely benign. Review status: criteria provided, single submitter (1 of 4 stars). 5 submissions from 1 submitter: Benign (4); Likely benign (1). Last evaluated 2018-01-12.

Conditions:
Anophthalmia-microphthalmia syndrome. Also called: Anophthalmia/Microphthalmia; Anophthalmia - microphthalmia. Identifiers: Orphanet 98555, MedGen C5680330, MONDO:0020147.
Foveal hypoplasia 1. Also called: FOVEAL HYPOPLASIA 1 WITH OR WITHOUT ANTERIOR SEGMENT ANOMALIES AND/OR CATARACT; FOVEAL HYPOPLASIA 1 WITH ANTERIOR SEGMENT ANOMALIES. Identifiers: Orphanet 2253, MedGen C3805604, MONDO:0007628, OMIM 136520.
11p partial monosomy syndrome (WAGR). Also called: WAGR Spectrum Disorder; WAGR syndrome; WAGR Complex; CHROMOSOME 11p13 DELETION SYNDROME. Identifiers: Orphanet 893, MedGen C0206115, MONDO:0008681, OMIM 194072.
Autosomal dominant keratitis. Also called: Keratitis, hereditary. Identifiers: Orphanet 2334, MedGen C1835698, MONDO:0007848, OMIM 148190.
carboxymethyl-dextran-A2-gadolinium-DOTA.

Allele frequency attached by ClinVar (database versions not stated): gnomAD exomes 0.00280; TOPMed 0.00207; gnomAD 0.00198 and 0.00205; 1000 Genomes Project 0.00120; 1000 Genomes Project 30x 0.00125.
gnomAD v4.1: 514 of 223,568 alleles (0.23%); highest among the groups gnomAD compares: South Asian, 0.39%; 1 homozygote.

Submissions (5):

Illumina Laboratory Services, Illumina
Classification: Benign for Wilms tumor, aniridia, genitourinary anomalies, and mental retardation syndrome. Last evaluated: 2018-01-12. Review status: criteria provided, single submitter. Criteria: ICSL Variant Classification Criteria 13 December 2019. Collection method: clinical testing. Allele origin: germline.
Comment: This variant was observed in the ICSL laboratory as part of a predisposition screen in an ostensibly healthy population. It had not been previously curated by ICSL or reported in the Human Gene Mutation Database (HGMD: prior to June 1st, 2018), and was therefore a candidate for classification through an automated scoring system. Utilizing variant allele frequency, disease prevalence and penetrance estimates, and inheritance mode, an automated score was calculated to assess if this variant is too frequent to cause the disease. Based on the score and internal cut-off values, a variant classified as benign is not then subjected to further curation. The score for this variant resulted in a classification of benign for this disease.

Illumina Laboratory Services, Illumina
Classification: Benign for Foveal hypoplasia 1. Last evaluated: 2018-01-12. Review status: criteria provided, single submitter. Criteria: ICSL Variant Classification Criteria 13 December 2019. Collection method: clinical testing. Allele origin: germline.
Comment: the same text as in the submission from Illumina Laboratory Services, Illumina above.

Illumina Laboratory Services, Illumina
Classification: Benign for Autosomal dominant keratitis. Last evaluated: 2018-01-12. Review status: criteria provided, single submitter. Criteria: ICSL Variant Classification Criteria 13 December 2019. Collection method: clinical testing. Allele origin: germline.
Comment: the same text as in the submission from Illumina Laboratory Services, Illumina above.

Illumina Laboratory Services, Illumina
Classification: Likely benign for Anophthalmia-microphthalmia syndrome. Last evaluated: 2018-01-12. Review status: criteria provided, single submitter. Criteria: ICSL Variant Classification Criteria 13 December 2019. Collection method: clinical testing. Allele origin: germline.
Comment: This variant was observed in the ICSL laboratory as part of a predisposition screen in an ostensibly healthy population. It had not been previously curated by ICSL or reported in the Human Gene Mutation Database (HGMD: prior to June 1st, 2018), and was therefore a candidate for classification through an automated scoring system. Utilizing variant allele frequency, disease prevalence and penetrance estimates, and inheritance mode, an automated score was calculated to assess if this variant is too frequent to cause the disease. Based on the score and internal cut-off values, a variant classified as likely benign is not then subjected to further curation. The score for this variant resulted in a classification of likely benign for this disease.

Illumina Laboratory Services, Illumina
Classification: Benign for carboxymethyl-dextran-A2-gadolinium-DOTA. Last evaluated: 2018-01-12. Review status: criteria provided, single submitter. Criteria: ICSL Variant Classification Criteria 13 December 2019. Collection method: clinical testing. Allele origin: germline.
Comment: the same text as in the submission from Illumina Laboratory Services, Illumina above.